The following is an entry in ClinVar:

ClinVar aggregate classification (germline): Uncertain significance (1 of 4 stars; one submission).

Conditions:
Brugada syndrome. Also called: Sudden unexpected nocturnal death syndrome; Sudden Unexplained Death Syndrome; Sudden Unexplained Nocturnal Death Syndrome (SUNDS); Sudden unexplained nocturnal death syndrome. Identifiers: Orphanet 130, MedGen C1142166, MONDO:0015263.

gnomAD v4.1: 33 of 1,613,266 alleles (0.002%); highest among the groups gnomAD compares: Non-Finnish European, 0.0025%; no homozygotes.

Submission:

Labcorp Genetics (formerly Invitae), Labcorp
Classification: Uncertain significance for Brugada syndrome. Last evaluated: 2024-07-19. Review status: criteria provided, single submitter. Criteria: Invitae Variant Classification Sherloc (09022015). Collection method: clinical testing. Allele origin: germline.
Comment: This sequence change replaces glutamic acid, which is acidic and polar, with glutamine, which is neutral and polar, at codon 405 of the SLMAP protein (p.Glu405Gln). This variant is present in population databases (no rsID available, gnomAD 0.0009%). This variant has not been reported in the literature in individuals affected with SLMAP-related conditions. ClinVar contains an entry for this variant (Variation ID: 2196352). An algorithm developed to predict the effect of missense changes on protein structure and function outputs the following: PolyPhen-2: "Benign". The glutamine amino acid residue is found in multiple mammalian species, which suggests that this missense change does not adversely affect protein function. In summary, the available evidence is currently insufficient to determine the role of this variant in disease. Therefore, it has been classified as a Variant of Uncertain Significance.

NM_001377540.1(SLMAP):c.1315G>C (p.Glu439Gln)

Gene: SLMAP (sarcolemma associated protein; plus strand). Cytogenetic location: 3p14.3.
Variant type: single nucleotide variant.
Coding change: c.1315G>C on transcript NM_001377540.1 (MANE Select); coding-DNA position 1315, G replaced by C.
Protein change: p.Glu439Gln; replaces glutamic acid 439 with glutamine.
Molecular consequence: missense variant. On other transcripts: 5 prime UTR variant (7), non-coding transcript variant (1).
Genome position (GRCh38, 1-based): chr3:57,890,055, G>C. VCF-style: chr3-57890055-G-C. GRCh37 (hg19) VCF-style: chr3-57875782-G-C.
Other names: c.1264G>C, p.Glu422Gln (NM_001304420.3, NM_001377541.1, NM_001377542.1 and 2 more transcripts); c.1150G>C, p.Glu384Gln (NM_001304421.2, NM_001377557.1, NM_001377559.1 and 1 more transcripts); c.-135G>C (NM_001304422.3, NM_001304423.3, NM_001311178.2 and 4 more transcripts); c.1315G>C, p.Glu439Gln (NM_001377538.1, NM_001377539.1, NM_001377555.1); c.1252G>C, p.Glu418Gln (NM_001377545.1, NM_001377922.1); c.1213G>C, p.Glu405Gln (NM_001377549.1, NM_001377923.1, NM_007159.5); c.1201G>C, p.Glu401Gln (NM_001377551.1, NM_001377552.1, NM_001377924.1); short protein forms E418Q, E439Q, E384Q, E401Q, E405Q, E422Q.
Identifiers: ClinVar variation 2196352 (VCV002196352.4), dbSNP rs747337211, ClinGen allele CA353411460.